The following is an entry in ClinVar:

NM_001079802.2(FKTN):c.910+19T>G

Gene: FKTN (fukutin; plus strand). Cytogenetic location: 9q31.2.
Variant type: single nucleotide variant.
Coding change: c.910+19T>G on transcript NM_001079802.2 (MANE Select); 19 bases into the intron after coding-DNA position 910, T replaced by G.
Molecular consequence: intron variant.
Genome position (GRCh38, 1-based): chr9:105,615,426, T>G. VCF-style: chr9-105615426-T-G. GRCh37 (hg19) VCF-style: chr9-108377707-T-G.
Other names: c.910+19T>G (NM_006731.2, NM_001351496.2, NM_001198963.2 and 1 more transcripts); c.514+19T>G (NM_001351502.2, NM_001351499.2, NM_001351500.2 and 1 more transcripts); c.841+19T>G (NM_001351497.2).
Identifiers: ClinVar variation 511951 (VCV000511951.10), dbSNP rs771773538, ClinGen allele CA197448103.

ClinVar aggregate classification (germline): Likely benign. Review status: criteria provided, multiple submitters, no conflicts (2 of 4 stars). 2 submissions from 2 submitters: Likely benign (2). Last evaluated 2025-10-17.

Conditions:
Walker-Warburg congenital muscular dystrophy. Also called: Muscular dystrophy-dystroglycanopathy, type A; Walker-Warburg syndrome. Identifiers: Orphanet 899, MedGen C0265221, MONDO:0000171.

Allele frequency attached by ClinVar (database versions not stated): TOPMed 0.00002.
gnomAD v4.1: 2 of 1,613,110 alleles (0.00012%); highest among the groups gnomAD compares: Non-Finnish European, 0.00017%; no homozygotes.

Submissions (2):

Labcorp Genetics (formerly Invitae), Labcorp
Classification: Likely benign for Walker-Warburg congenital muscular dystrophy. Last evaluated: 2025-10-17. Review status: criteria provided, single submitter. Criteria: Invitae Variant Classification Sherloc (09022015). Collection method: clinical testing. Allele origin: germline.

GeneDx
Classification: Likely benign. Last evaluated: 2017-09-07. Review status: criteria provided, single submitter. Criteria: GeneDx Variant Classification (06012015). Collection method: clinical testing. Allele origin: germline. Affected: yes.
Comment: This variant is considered likely benign or benign based on one or more of the following criteria: it is a conservative change, it occurs at a poorly conserved position in the protein, it is predicted to be benign by multiple in silico algorithms, and/or has population frequency not consistent with disease.